The following is an entry in ClinVar:

ClinVar aggregate classification (germline): Pathogenic. Review status: criteria provided, multiple submitters, no conflicts (2 of 4 stars). 2 submissions from 2 submitters: Pathogenic (2). Last evaluated 2025-12-29.

Conditions:
Charlevoix-Saguenay spastic ataxia (SACS). Also called: SPASTIC ATAXIA 6, AUTOSOMAL RECESSIVE; AUTOSOMAL RECESSIVE SPASTIC ATAXIA OF CHARLEVOIX-SAGUENAY; Spastic ataxia of Charlevoix-Saguenay. Identifiers: Orphanet 98, MedGen C1849140, MONDO:0010041, OMIM 270550.
Spastic paraplegia. Identifiers: MedGen C0037772, HP:0001258.

Submissions (2):

Myriad Genetics, Inc.
Classification: Pathogenic for Charlevoix-Saguenay spastic ataxia. Last evaluated: 2025-12-29. Review status: criteria provided, single submitter. Criteria: Myriad Autosomal Dominant, Autosomal Recessive and X-Linked Classification Criteria (2023). Collection method: clinical testing. Allele origin: unknown.
Comment: NM_014363.4(SACS):c.453T>A(Y151*) is expected to be pathogenic in the context of autosomal recessive spastic ataxia of Charlevoix-Saguenay. This variant is predicted to lead to an abnormal or absent protein product due to the creation of a premature termination codon in SACS, a gene where loss-of-function variants are known to be pathogenic. Please note: this variant was assessed in the context of healthy population screening.

Labcorp Genetics (formerly Invitae), Labcorp
Classification: Pathogenic for Spastic paraplegia. Last evaluated: 2021-02-13. Review status: criteria provided, single submitter. Criteria: Invitae Variant Classification Sherloc (09022015). Collection method: clinical testing. Allele origin: germline.
Comment: For these reasons, this variant has been classified as Pathogenic. This variant has not been reported in the literature in individuals with SACS-related conditions. This variant is not present in population databases (ExAC no frequency). This sequence change creates a premature translational stop signal (p.Tyr151*) in the SACS gene. It is expected to result in an absent or disrupted protein product. Loss-of-function variants in SACS are known to be pathogenic (PMID: 18465152, 20876471).

Literature cited by the submitters: PubMed 18465152 (cited by Labcorp Genetics (formerly Invitae), Labcorp); PubMed 20876471 (cited by Labcorp Genetics (formerly Invitae), Labcorp).

NM_014363.6(SACS):c.453T>A (p.Tyr151Ter)

Gene: SACS (sacsin molecular chaperone; minus strand). Cytogenetic location: 13q12.12.
Variant type: single nucleotide variant.
Coding change: c.453T>A on transcript NM_014363.6 (MANE Select); coding-DNA position 453, T replaced by A.
Protein change: p.Tyr151Ter; replaces tyrosine 151 with a stop codon.
Molecular consequence: nonsense.
Genome position (GRCh38, 1-based): chr13:23,365,170, A>T on the plus strand (T>A on the coding strand, the complement: SACS is on the minus strand). VCF-style: chr13-23365170-A-T. GRCh37 (hg19) VCF-style: chr13-23939309-A-T.
Other names: c.12T>A, p.Tyr4Ter (NM_001278055.2); short protein forms Y151*, Y4*.
Identifiers: ClinVar variation 1454466 (VCV001454466.7), dbSNP rs2137781223, ClinGen allele CA387552527.